The following is an entry in ClinVar:

NM_001040108.2(MLH3):c.25G>A (p.Val9Ile)

Gene: MLH3 (mutL homolog 3; minus strand). Cytogenetic location: 14q24.3.
Variant type: single nucleotide variant.
Coding change: c.25G>A on transcript NM_001040108.2 (MANE Select); coding-DNA position 25, G replaced by A.
Protein change: p.Val9Ile; replaces valine 9 with isoleucine.
Molecular consequence: missense variant.
Genome position (GRCh38, 1-based): chr14:75,049,631, C>T on the plus strand (G>A on the coding strand, the complement: MLH3 is on the minus strand). VCF-style: chr14-75049631-C-T. GRCh37 (hg19) VCF-style: chr14-75516334-C-T.
Other names: c.25G>A, p.Val9Ile (NM_014381.3); short protein forms V9I.
Identifiers: ClinVar variation 5024572 (VCV005024572.1).

ClinVar aggregate classification (germline): Uncertain significance (1 of 4 stars; one submission).

Submission:

Ambry Genetics
Classification: Uncertain significance. Last evaluated: 2026-06-22. Review status: criteria provided, single submitter. Criteria: Ambry Variant Classification Scheme 2023. Collection method: clinical testing. Allele origin: germline.
Comment: The p.V9I variant (also known as c.25G>A), located in coding exon 1 of the MLH3 gene, results from a G to A substitution at nucleotide position 25. The valine at codon 9 is replaced by isoleucine, an amino acid with highly similar properties. This amino acid position is conserved. In addition, the in silico prediction for this alteration is inconclusive. Based on the available evidence, the clinical significance of this variant remains unclear.